The following is an entry in ClinVar:

ClinVar aggregate classification (germline): Uncertain significance. Review status: criteria provided, single submitter (1 of 4 stars). 2 submissions from 2 submitters: Uncertain significance (1). 1 of the submissions does not count toward it. Last evaluated 2019-04-29.

Conditions:
CFTR-related disorder (CFTR-RD). Also called: CFTR-related condition; CFTR-related disorders. Identifiers: MedGen C5924204, MONDO:7770004.
Cystic fibrosis (CF). Also called: MUCOVISCIDOSIS. Identifiers: Orphanet 586, MedGen C0010674, MONDO:0009061, OMIM 219700. Disease mechanism: loss of function.

Submissions (2):

Ambry Genetics
Classification: Uncertain significance for Cystic fibrosis. Last evaluated: 2019-04-29. Review status: criteria provided, single submitter. Criteria: Ambry Variant Classification Scheme 2023. Collection method: clinical testing. Allele origin: germline.
Comment: The p.S728F variant (also known as c.2183C>T), located in coding exon 14 of the CFTR gene, results from a C to T substitution at nucleotide position 2183. The serine at codon 728 is replaced by phenylalanine, an amino acid with highly dissimilar properties. This amino acid position is poorly conserved in available vertebrate species. In addition, the in silico prediction for this alteration is inconclusive. Since supporting evidence is limited at this time, the clinical significance of this alteration remains unclear.

Natera, Inc.
Classification: Uncertain significance for CFTR-related disorders. Last evaluated: 2021-07-01. Review status: no assertion criteria provided. Collection method: clinical testing. Allele origin: germline. Not counted in ClinVar's aggregate classification.

NM_000492.4(CFTR):c.2183C>T (p.Ser728Phe)

Gene: CFTR (CF transmembrane conductance regulator; plus strand). Cytogenetic location: 7q31.2.
Variant type: single nucleotide variant.
Coding change: c.2183C>T on transcript NM_000492.4 (MANE Select); coding-DNA position 2183, C replaced by T.
Protein change: p.Ser728Phe; replaces serine 728 with phenylalanine.
Molecular consequence: missense variant.
Genome position (GRCh38, 1-based): chr7:117,592,350, C>T. VCF-style: chr7-117592350-C-T. GRCh37 (hg19) VCF-style: chr7-117232404-C-T.
Other names: short protein forms S728F.
Identifiers: ClinVar variation 820857 (VCV000820857.5), dbSNP rs1584812535, ClinGen allele CA368980306.